The following is an entry in ClinVar:

ClinVar aggregate classification (germline): Uncertain significance (1 of 4 stars; one submission).

Conditions:
Inborn genetic diseases. Identifiers: MedGen C0950123, MeSH D030342.

gnomAD v4.1: 1 of 1,564,112 alleles (0.000064%); highest among the groups gnomAD compares: East Asian, 0.0023%; no homozygotes.

Submission:

Ambry Genetics
Classification: Uncertain significance for Inborn genetic diseases. Last evaluated: 2025-02-06. Review status: criteria provided, single submitter. Criteria: Ambry Variant Classification Scheme 2023. Collection method: clinical testing. Allele origin: germline.
Comment: The p.A14T variant (also known as c.40G>A), located in coding exon 1 of the SH2B3 gene, results from a G to A substitution at nucleotide position 40. The alanine at codon 14 is replaced by threonine, an amino acid with similar properties. This amino acid position is conserved. In addition, this alteration is predicted to be tolerated by in silico analysis. Based on the available evidence, the clinical significance of this variant remains unclear.

NM_005475.3(SH2B3):c.40G>A (p.Ala14Thr)

Gene: SH2B3 (SH2B adaptor protein 3; plus strand). Cytogenetic location: 12q24.12.
Variant type: single nucleotide variant.
Coding change: c.40G>A on transcript NM_005475.3 (MANE Select); coding-DNA position 40, G replaced by A.
Protein change: p.Ala14Thr; replaces alanine 14 with threonine.
Molecular consequence: missense variant.
Genome position (GRCh38, 1-based): chr12:111,418,185, G>A. VCF-style: chr12-111418185-G-A. GRCh37 (hg19) VCF-style: chr12-111855989-G-A.
Other names: short protein forms A14T.
Identifiers: ClinVar variation 3795176 (VCV003795176.1).